The following is an entry in ClinVar:

ClinVar aggregate classification (germline): Benign/Likely benign. Review status: criteria provided, multiple submitters, no conflicts (2 of 4 stars). 4 submissions from 4 submitters: Benign (1); Likely benign (3). Last evaluated 2025-12-21.

Conditions:
Mitochondrial complex II deficiency, nuclear type 1. Also called: SUCCINATE CoQ REDUCTASE DEFICIENCY. Identifiers: Orphanet 3208, MedGen C5700310, MONDO:0100294, OMIM 252011.
Pheochromocytoma/paraganglioma syndrome 5. Also called: SDHA-Related Hereditary Paraganglioma-Pheochromocytoma Syndrome; Paragangliomas 5. Identifiers: Orphanet 29072, MedGen C3279992, MONDO:0013602, OMIM 614165.
Hereditary cancer-predisposing syndrome. Also called: Neoplastic Syndromes, Hereditary; Hereditary Cancer Syndrome; Tumor predisposition; Hereditary neoplastic syndrome. Identifiers: Orphanet 140162, MedGen C0027672, MeSH D009386, MONDO:0015356.

Allele frequency attached by ClinVar (database versions not stated): ExAC 0.00001; gnomAD exomes 0.00001 and 0.00006; TOPMed 0.00002; gnomAD 0.00003 and 0.00004.
gnomAD v4.1: 84 of 1,612,562 alleles (0.0052%); highest among the groups gnomAD compares: Non-Finnish European, 0.007%; no homozygotes.

Submissions (4):

Labcorp Genetics (formerly Invitae), Labcorp
Classification: Likely benign for Pheochromocytoma/paraganglioma syndrome 5; Mitochondrial complex II deficiency, nuclear type 1. Last evaluated: 2025-12-21. Review status: criteria provided, single submitter. Criteria: Invitae Variant Classification Sherloc (09022015). Collection method: clinical testing. Allele origin: germline.

Myriad Genetics, Inc.
Classification: Benign for Pheochromocytoma/paraganglioma syndrome 5. Last evaluated: 2025-02-28. Review status: criteria provided, single submitter. Criteria: Myriad Autosomal Dominant, Autosomal Recessive and X-Linked Classification Criteria (2023). Collection method: clinical testing. Allele origin: unknown.
Comment: This variant is considered benign. This variant is a silent/synonymous amino acid change and it is not expected to impact splicing.

Women's Health and Genetics/Laboratory Corporation of America, LabCorp
Classification: Likely benign. Last evaluated: 2024-02-19. Review status: criteria provided, single submitter. Criteria: LabCorp Variant Classification Summary - May 2015. Collection method: clinical testing. Allele origin: germline.

Ambry Genetics
Classification: Likely benign for Hereditary cancer-predisposing syndrome. Last evaluated: 2016-09-09. Review status: criteria provided, single submitter. Criteria: Ambry Variant Classification Scheme 2023. Collection method: clinical testing. Allele origin: germline.

NM_004168.4(SDHA):c.300T>C (p.Thr100=)

Gene: SDHA (succinate dehydrogenase complex flavoprotein subunit A; plus strand). Cytogenetic location: 5p15.33.
Variant type: single nucleotide variant.
Coding change: c.300T>C on transcript NM_004168.4 (MANE Select); coding-DNA position 300, T replaced by C.
Protein change: p.Thr100=; no amino-acid change (threonine 100 retained).
Molecular consequence: synonymous variant.
Genome position (GRCh38, 1-based): chr5:224,509, T>C. VCF-style: chr5-224509-T-C. GRCh37 (hg19) VCF-style: chr5-224624-T-C.
Other names: c.300T>C, p.Thr100= (NM_001294332.2, NM_001330758.2).
Identifiers: ClinVar variation 417264 (VCV000417264.18), dbSNP rs771662494, ClinGen allele CA3172764.